The following is an entry in ClinVar:

NC_000022.11:g.(?_33761351)_(33761496_?)del

Gene: LARGE1 (LARGE xylosyl- and glucuronyltransferase 1; minus strand). Cytogenetic location: 22q12.3.
Variant type: Deletion.
Identifiers: ClinVar variation 583522 (VCV000583522.1).

ClinVar aggregate classification (germline): Pathogenic (1 of 4 stars; one submission).

Conditions:
Muscular dystrophy-dystroglycanopathy type B6 (MDDGB6). Also called: MUSCULAR DYSTROPHY, CONGENITAL, LARGE-RELATED; MUSCULAR DYSTROPHY, CONGENITAL, TYPE 1D; MUSCULAR DYSTROPHY-DYSTROGLYCANOPATHY (CONGENITAL WITH IMPAIRED INTELLECTUAL DEVELOPMENT), TYPE B, 6. Identifiers: MedGen C1837229, MONDO:0012138, OMIM 608840.

Submission:

Labcorp Genetics (formerly Invitae), Labcorp
Classification: Pathogenic for Congenital muscular dystrophy-dystroglycanopathy with mental retardation, type B6. Last evaluated: 2018-01-11. Review status: criteria provided, single submitter. Criteria: Invitae Variant Classification Sherloc (09022015). Collection method: clinical testing. Allele origin: germline.
Comment: This variant is a gross deletion of the genomic region encompassing exon 3 of the LARGE11 gene, which includes the initiator codon. The 5' end of this event is unknown as it extends beyond the assayed region for this gene and therefore may encompass additional genes. The 3' boundary is likely confined to intron 3 of the LARGE11 gene. This is expected to result in an absent or disrupted protein product. This variant has not been reported in the literature in individuals with LARGE11-related disease. Loss-of-function variants in LARGE11 are known to be pathogenic (PMID: 12966029, 17878207). For these reasons, this variant has been classified as Pathogenic.